The following is an entry in ClinVar:

NM_000368.5(TSC1):c.2417T>C (p.Met806Thr)

Gene: TSC1 (TSC complex subunit 1; minus strand). Cytogenetic location: 9q34.13.
Variant type: single nucleotide variant.
Coding change: c.2417T>C on transcript NM_000368.5 (MANE Select); coding-DNA position 2417, T replaced by C.
Protein change: p.Met806Thr; replaces methionine 806 with threonine.
Molecular consequence: missense variant.
Genome position (GRCh38, 1-based): chr9:132,901,674, A>G on the plus strand (T>C on the coding strand, the complement: TSC1 is on the minus strand). VCF-style: chr9-132901674-A-G. GRCh37 (hg19) VCF-style: chr9-135777061-A-G.
Other names: c.2414T>C, p.Met805Thr (NM_001162426.2); c.2264T>C, p.Met755Thr (NM_001162427.2); c.2054T>C, p.Met685Thr (NM_001362177.2); short protein forms M755T, M805T, M806T, M685T.
Identifiers: ClinVar variation 1503289 (VCV001503289.10), dbSNP rs2131708510, ClinGen allele CA375358678.

ClinVar aggregate classification (germline): Uncertain significance. Review status: criteria provided, multiple submitters, no conflicts (2 of 4 stars). 2 submissions from 2 submitters: Uncertain significance (2). Last evaluated 2022-06-11.

Conditions:
Hereditary cancer-predisposing syndrome. Also called: Tumor predisposition; Hereditary neoplastic syndrome; Neoplastic Syndromes, Hereditary; Hereditary Cancer Syndrome. Identifiers: Orphanet 140162, MedGen C0027672, MeSH D009386, MONDO:0015356.
Tuberous sclerosis 1 (TSC1). Identifiers: Orphanet 805, MedGen C1854465, MONDO:0008612, OMIM 191100.

Submissions (2):

Ambry Genetics
Classification: Uncertain significance for Hereditary cancer-predisposing syndrome. Last evaluated: 2022-06-11. Review status: criteria provided, single submitter. Criteria: Ambry Variant Classification Scheme 2023. Collection method: clinical testing. Allele origin: germline.
Comment: The p.M806T variant (also known as c.2417T>C), located in coding exon 17 of the TSC1 gene, results from a T to C substitution at nucleotide position 2417. The methionine at codon 806 is replaced by threonine, an amino acid with similar properties. This amino acid position is conserved. In addition, this alteration is predicted to be tolerated by in silico analysis. Since supporting evidence is limited at this time, the clinical significance of this alteration remains unclear.

Labcorp Genetics (formerly Invitae), Labcorp
Classification: Uncertain significance for Tuberous sclerosis 1. Last evaluated: 2021-07-03. Review status: criteria provided, single submitter. Criteria: Invitae Variant Classification Sherloc (09022015). Collection method: clinical testing. Allele origin: germline.
Comment: This variant has not been reported in the literature in individuals affected with TSC1-related conditions. In summary, the available evidence is currently insufficient to determine the role of this variant in disease. Therefore, it has been classified as a Variant of Uncertain Significance. Algorithms developed to predict the effect of missense changes on protein structure and function (SIFT, PolyPhen-2, Align-GVGD) all suggest that this variant is likely to be tolerated. This variant is not present in population databases (ExAC no frequency). This sequence change replaces methionine with threonine at codon 806 of the TSC1 protein (p.Met806Thr). The methionine residue is moderately conserved and there is a moderate physicochemical difference between methionine and threonine.